The following is an entry in ClinVar:

NM_003718.5(CDK13):c.2898-15A>G

Gene: CDK13 (cyclin dependent kinase 13; plus strand). Cytogenetic location: 7p14.1.
Variant type: single nucleotide variant.
Coding change: c.2898-15A>G on transcript NM_003718.5 (MANE Select); 15 bases into the intron before coding-DNA position 2898, A replaced by G.
Molecular consequence: intron variant.
Genome position (GRCh38, 1-based): chr7:40,078,705, A>G. VCF-style: chr7-40078705-A-G. GRCh37 (hg19) VCF-style: chr7-40118304-A-G.
Other names: c.2898-15A>G (NM_031267.3).
Identifiers: ClinVar variation 5002949 (VCV005002949.1).

ClinVar aggregate classification (germline): Uncertain significance (1 of 4 stars; one submission).

Conditions:
Congenital heart defects, dysmorphic facial features, and intellectual developmental disorder (CHDFIDD). Identifiers: Orphanet 646278, MedGen C4479246, MONDO:0044302, OMIM 617360.

Submission:

OLLIN Analises Genomicas, OLLIN
Classification: Uncertain significance for Congenital heart defects, dysmorphic facial features, and intellectual developmental disorder. Last evaluated: 2026-08-06. Review status: criteria provided, single submitter. Criteria: ACMG Guidelines 2015 PMID 25741868. Collection method: clinical testing. Allele origin: germline. Inheritance: Autosomal dominant inheritance.
Comment: This variant is absent from gnomAD and ClinVar and has not been found in the scientific literature. According to the currently available evidence, this variant has been classified as uncertain significance (PM2_P, PP3).